The following is an entry in ClinVar:

GRCh37/hg19 6q24.3-25.1(chr6:147992673-152474066)x1

Genes: AKAP12 (A-kinase anchoring protein 12; plus strand), ARMT1 (acidic residue methyltransferase 1; plus strand), CCDC170 (coiled-coil domain containing 170; plus strand), ESR1 (estrogen receptor 1; plus strand), GINM1 (glycosylated integral membrane protein 1; plus strand) and 24 more. Cytogenetic location: 6q24.3-25.1.
Variant type: copy number loss.
Change: copy number 1 (one copy instead of two) of chr6:147,992,673-152,474,066 (4.48 Mb, GRCh37 coordinates, 1-based), cytogenetic band 6q24.3-25.1.
Identifiers: ClinVar variation 3391891 (VCV003391891.1).

ClinVar aggregate classification (germline): Pathogenic (1 of 4 stars; one submission).

Submission:

Quest Diagnostics Nichols Institute San Juan Capistrano
Classification: Pathogenic. Last evaluated: 2024-03-02. Review status: criteria provided, single submitter. Criteria: ACMG/ClinGen CNV Guidelines, 2019. Collection method: clinical testing. Allele origin: unknown.
Comment: This loss involves at least 30 protein-coding genes and falls within the larger region associated with chromosome 6q24-q25 deletion syndrome (OMIM 612863). Haploinsufficiency of TAB2 has been associated with multiple types of autosomal dominant congenital heart defects (OMIM 614980) and additional features (Cheng 2017, Cheng 2017, Engwerda 2021, Ritelli 2018, Salpietro 2018, Thienpont 2010). There are no similar copy number losses of this region in the general populations of the Database of Genomic Variants. Thus, based on gene count and current medical literature, this copy number variant (CNV) is classified as pathogenic. References: Cheng et al., Am J Med Genet A. 2017 Jul;173(7):1848-1857. PMID: 28464518; Cheng et al., BMC Cardiovasc Disord. 2020 Mar 17;20(1):137. PMID: 32183715; Engwerda et al., Eur J Hum Genet. 2021 Nov;29(11):1669-1676. PMID: 34456334; Ritelli et al., Clin Genet. 2018 Jan;93(1):126-133. PMID: 28386937; Salpietro et al., Am J Med Genet A. 2015 Sep;167A(9):2042-51. PMID: 25940952; Thienpont et al., Am J Hum Genet. 2010 Jun 11;86(6):839-49. PMID: 20493459